The following is an entry in ClinVar:

NM_006005.3(WFS1):c.631+3G>A

Gene: WFS1 (wolframin ER transmembrane glycoprotein; plus strand). Cytogenetic location: 4p16.1.
Variant type: single nucleotide variant.
Coding change: c.631+3G>A on transcript NM_006005.3 (MANE Select); 3 bases into the intron after coding-DNA position 631, G replaced by A.
Molecular consequence: intron variant.
Genome position (GRCh38, 1-based): chr4:6,291,370, G>A. VCF-style: chr4-6291370-G-A. GRCh37 (hg19) VCF-style: chr4-6293097-G-A.
Other names: c.631+3G>A (NM_001145853.1).
Identifiers: ClinVar variation 2904959 (VCV002904959.4), dbSNP rs764283618, ClinGen allele CA2838956.

ClinVar aggregate classification (germline): Conflicting classifications of pathogenicity. Review status: criteria provided, conflicting classifications (1 of 4 stars). 2 submissions from 2 submitters: Uncertain significance (1); Likely benign (1). Last evaluated 2026-08-19.

Conditions:
WFS1-related disorder. Identifiers: MedGen CN379391, MONDO:0700293.

Allele frequency attached by ClinVar (database versions not stated): ExAC 0.00001; gnomAD exomes 0.00001; TOPMed 0.00001.
gnomAD v4.1: 4 of 1,611,988 alleles (0.00025%); highest among the groups gnomAD compares: Admixed American, 0.005%; no homozygotes.

Submissions (2):

PreventionGenetics, part of Exact Sciences
Classification: Likely benign for WFS1-related condition. Last evaluated: 2026-08-19. Review status: criteria provided, single submitter. Criteria: ACMG Guidelines, 2015. Collection method: clinical testing. Allele origin: germline.
Comment: This variant is classified as likely benign based on ACMG/AMP sequence variant interpretation guidelines (Richards et al. 2015 PMID: 25741868, with internal and published modifications).

Labcorp Genetics (formerly Invitae), Labcorp
Classification: Uncertain significance. Last evaluated: 2023-09-30. Review status: criteria provided, single submitter. Criteria: Invitae Variant Classification Sherloc (09022015). Collection method: clinical testing. Allele origin: germline.
Comment: This sequence change falls in intron 5 of the WFS1 gene. It does not directly change the encoded amino acid sequence of the WFS1 protein. It affects a nucleotide within the consensus splice site. This variant is present in population databases (rs764283618, gnomAD 0.006%). This variant has not been reported in the literature in individuals affected with WFS1-related conditions. Variants that disrupt the consensus splice site are a relatively common cause of aberrant splicing (PMID: 17576681, 9536098). Algorithms developed to predict the effect of sequence changes on RNA splicing suggest that this variant may disrupt the consensus splice site. In summary, the available evidence is currently insufficient to determine the role of this variant in disease. Therefore, it has been classified as a Variant of Uncertain Significance.

Literature cited by the submitters: PubMed 17576681 (cited by Labcorp Genetics (formerly Invitae), Labcorp); PubMed 9536098 (cited by Labcorp Genetics (formerly Invitae), Labcorp).